The following is an entry in ClinVar:

NM_001165963.4(SCN1A):c.1377+2T>C

Gene: SCN1A (sodium voltage-gated channel alpha subunit 1; minus strand). Cytogenetic location: 2q24.3.
Variant type: single nucleotide variant.
Coding change: c.1377+2T>C on transcript NM_001165963.4 (MANE Select); the canonical splice donor site of the intron after coding-DNA position 1377, T replaced by C.
Molecular consequence: splice donor variant.
Genome position (GRCh38, 1-based): chr2:166,046,768, A>G on the plus strand (T>C on the coding strand, the complement: SCN1A is on the minus strand). VCF-style: chr2-166046768-A-G. GRCh37 (hg19) VCF-style: chr2-166903278-A-G.
Other names: c.1377+2T>C (NM_001353952.2, NM_006920.6, NM_001353949.2 and 10 more transcripts); c.-1049+2T>C (NM_001353961.2).
Identifiers: ClinVar variation 859864 (VCV000859864.9), dbSNP rs1697876590, ClinGen allele CA349070162.

ClinVar aggregate classification (germline): Pathogenic (1 of 4 stars; one submission).

Conditions:
Early-infantile DEE. Also called: Early infantile epileptic encephalopathy; Early infantile epileptic encephalopathy with suppression bursts; Ohtahara syndrome. Identifiers: Orphanet 1934, MedGen C0393706, MONDO:0800491.

Submission:

Labcorp Genetics (formerly Invitae), Labcorp
Classification: Pathogenic for Early-infantile DEE. Last evaluated: 2023-10-27. Review status: criteria provided, single submitter. Criteria: Invitae Variant Classification Sherloc (09022015). Collection method: clinical testing. Allele origin: germline.
Comment: This sequence change affects a donor splice site in intron 9 of the SCN1A gene. It is expected to disrupt RNA splicing. Variants that disrupt the donor or acceptor splice site typically lead to a loss of protein function (PMID: 16199547), and loss-of-function variants in SCN1A are known to be pathogenic (PMID: 17347258, 18930999). This variant is not present in population databases (gnomAD no frequency). Disruption of this splice site has been observed in individual(s) with SCN1A-related conditions (Invitae). In at least one individual the variant was observed to be de novo. ClinVar contains an entry for this variant (Variation ID: 859864). Algorithms developed to predict the effect of sequence changes on RNA splicing suggest that this variant may disrupt the consensus splice site. For these reasons, this variant has been classified as Pathogenic.

Literature cited by the submitters: PubMed 16199547; PubMed 17347258; PubMed 18930999.